The following is an entry in ClinVar:

ClinVar aggregate classification (germline): Uncertain significance (1 of 4 stars; one submission).

Conditions:
Short-rib thoracic dysplasia 11 with or without polydactyly (SRTD11). Also called: SHORT-RIB THORACIC DYSPLASIA 11 WITHOUT POLYDACTYLY. Identifiers: Orphanet 474, Orphanet 93271, MedGen C3810200, MONDO:0014287, OMIM 615633.

Allele frequency attached by ClinVar (database versions not stated): gnomAD 0.00001; gnomAD exomes 0.00001 and 0.00003; TOPMed 0.00001.
gnomAD v4.1: 54 of 1,613,410 alleles (0.0033%); highest among the groups gnomAD compares: Non-Finnish European, 0.0042%; no homozygotes.

Submission:

Labcorp Genetics (formerly Invitae), Labcorp
Classification: Uncertain significance for Short-rib thoracic dysplasia 11 with or without polydactyly. Last evaluated: 2025-04-17. Review status: criteria provided, single submitter. Criteria: Invitae Variant Classification Sherloc (09022015). Collection method: clinical testing. Allele origin: germline.
Comment: This sequence change replaces glutamine, which is neutral and polar, with arginine, which is basic and polar, at codon 494 of the WDR34 protein (p.Gln494Arg). This variant is present in population databases (rs776473267, gnomAD 0.005%). This variant has not been reported in the literature in individuals affected with WDR34-related conditions. ClinVar contains an entry for this variant (Variation ID: 1681170). An algorithm developed to predict the effect of missense changes on protein structure and function (PolyPhen-2) suggests that this variant is likely to be tolerated. In summary, the available evidence is currently insufficient to determine the role of this variant in disease. Therefore, it has been classified as a Variant of Uncertain Significance.

NM_052844.4(DYNC2I2):c.1481A>G (p.Gln494Arg)

Gene: DYNC2I2 (dynein 2 intermediate chain 2; minus strand). Cytogenetic location: 9q34.11.
Variant type: single nucleotide variant.
Coding change: c.1481A>G on transcript NM_052844.4 (MANE Select); coding-DNA position 1481, A replaced by G.
Protein change: p.Gln494Arg; replaces glutamine 494 with arginine.
Molecular consequence: missense variant.
Genome position (GRCh38, 1-based): chr9:128,633,874, T>C on the plus strand (A>G on the coding strand, the complement: DYNC2I2 is on the minus strand). VCF-style: chr9-128633874-T-C. GRCh37 (hg19) VCF-style: chr9-131396153-T-C.
Other names: short protein forms Q494R.
Identifiers: ClinVar variation 1681170 (VCV001681170.5), dbSNP rs776473267, ClinGen allele CA200416728.